The following is an entry in ClinVar:

NM_001395159.1(UNC79):c.1583C>T (p.Ala528Val)

Gene: UNC79 (unc-79 homolog, NALCN channel complex subunit; plus strand). Cytogenetic location: 14q32.12.
Variant type: single nucleotide variant.
Coding change: c.1583C>T on transcript NM_001395159.1 (MANE Select); coding-DNA position 1583, C replaced by T.
Protein change: p.Ala528Val; replaces alanine 528 with valine.
Molecular consequence: missense variant.
Genome position (GRCh38, 1-based): chr14:93,542,524, C>T. VCF-style: chr14-93542524-C-T. GRCh37 (hg19) VCF-style: chr14-94008870-C-T.
Other names: c.1052C>T, p.Ala351Val (NM_020818.5); c.1583C>T, p.Ala528Val (NM_001346218.2); short protein forms A351V, A528V.
Identifiers: ClinVar variation 2575680 (VCV002575680.1), dbSNP rs1567082034, ClinGen allele CA390783774.
Genomic context (GRCh38, chr14:93,542,524, plus strand): 5'-AGGTGAGCCTCTGCACACCCAGTGAGAACACGCCTACAGAAAGCTTGGCCCGGCTGGTGG[C>T]CATGGTGTTTCAGTGGTTTCACTCCACTGCGTATATGATGGATGATGAAGTGGGAAGTCT-3'
Protein context (NP_001382088.1, residues 518-538): TPTESLARLV[Ala528Val]MVFQWFHSTA

ClinVar aggregate classification (germline): Uncertain significance (1 of 4 stars; one submission).

Submission:

GeneDx
Classification: Uncertain significance. Last evaluated: 2023-02-14. Review status: criteria provided, single submitter. Criteria: GeneDx Variant Classification Process June 2021. Collection method: clinical testing. Allele origin: germline. Affected: yes.
Comment: Not observed at significant frequency in large population cohorts (gnomAD); In silico analysis supports that this missense variant has a deleterious effect on protein structure/function; Has not been previously published as pathogenic or benign to our knowledge; Variants in candidate genes are classified as variants of uncertain significance in accordance with ACMG guidelines (Richards et al., 2015)